The following is an entry in ClinVar:

ClinVar aggregate classification (germline): Uncertain significance. Review status: criteria provided, multiple submitters, no conflicts (2 of 4 stars). 2 submissions from 2 submitters: Uncertain significance (2). Last evaluated 2024-07-13.

Conditions:
Pancreatic cancer, susceptibility to, 3. Identifiers: Orphanet 1333, MedGen C3150547, MONDO:0013236, OMIM 613348.
Familial cancer of breast. Also called: BREAST CANCER, FAMILIAL; Hereditary breast cancer; hereditary breast carcinoma. Identifiers: Orphanet 227535, MedGen C0346153, MONDO:0016419, OMIM 114480. Disease mechanism: loss of function.
Fanconi anemia complementation group N. Also called: PALB2-Related Fanconi Anemia. Identifiers: Orphanet 84, MedGen C1835817, MONDO:0012565, OMIM 610832. Disease mechanism: loss of function.

Submissions (2):

Labcorp Genetics (formerly Invitae), Labcorp
Classification: Uncertain significance for Familial cancer of breast. Last evaluated: 2024-07-13. Review status: criteria provided, single submitter. Criteria: Invitae Variant Classification Sherloc (09022015). Collection method: clinical testing. Allele origin: germline.
Comment: This sequence change replaces arginine, which is basic and polar, with threonine, which is neutral and polar, at codon 120 of the PALB2 protein (p.Arg120Thr). This variant is not present in population databases (gnomAD no frequency). This variant has not been reported in the literature in individuals affected with PALB2-related conditions. ClinVar contains an entry for this variant (Variation ID: 946075). An algorithm developed to predict the effect of missense changes on protein structure and function (PolyPhen-2) suggests that this variant is likely to be tolerated. In summary, the available evidence is currently insufficient to determine the role of this variant in disease. Therefore, it has been classified as a Variant of Uncertain Significance.

Fulgent Genetics
Classification: Uncertain significance for Familial cancer of breast; Fanconi anemia complementation group N; Pancreatic cancer, susceptibility to, 3. Last evaluated: 2022-04-08. Review status: criteria provided, single submitter. Criteria: ACMG Guidelines, 2015. Collection method: clinical testing. Allele origin: unknown.

NM_024675.4(PALB2):c.359G>C (p.Arg120Thr)

Gene: PALB2 (partner and localizer of BRCA2; minus strand). Cytogenetic location: 16p12.2.
Variant type: single nucleotide variant.
Coding change: c.359G>C on transcript NM_024675.4 (MANE Select); coding-DNA position 359, G replaced by C.
Protein change: p.Arg120Thr; replaces arginine 120 with threonine.
Molecular consequence: missense variant.
Genome position (GRCh38, 1-based): chr16:23,636,187, C>G on the plus strand (G>C on the coding strand, the complement: PALB2 is on the minus strand). VCF-style: chr16-23636187-C-G. GRCh37 (hg19) VCF-style: chr16-23647508-C-G.
Other names: short protein forms R120T.
Identifiers: ClinVar variation 946075 (VCV000946075.11), dbSNP rs1251150895, ClinGen allele CA395137617.
Genomic context (GRCh38, chr16:23,636,187, plus strand): 5'-TTTTGCTCACCACTAGGGTCACTGACCCTGTGGGGAAAATGTTCTTGGGTGTCATCTGTT[C>G]TTTGTATAGGTAATCCTCCTGGGCCATCTCCAGGGTTAAAGGACTCAGGCCCAACATCAA-3'
Protein context (NP_078951.2, residues 110-130): GDGPGGLPIQ[Arg120Thr]TDDTQEHFPH